The following is an entry in ClinVar:

ClinVar aggregate classification (germline): Pathogenic. Review status: criteria provided, multiple submitters, no conflicts (2 of 4 stars). 6 submissions from 6 submitters: Pathogenic (3). 3 of the submissions do not count toward it. Last evaluated 2023-08-17.

Conditions:
Baraitser-winter syndrome 2. Identifiers: Orphanet 2995, MedGen C3281235, MONDO:0013812, OMIM 614583.
Inborn genetic diseases. Identifiers: MedGen C0950123, MeSH D030342.
Congenital anomaly of kidney and urinary tract. Also called: Congenital anomalies of the kidney and urinary tract; Congenital anomalies of kidney and urinary tract. Identifiers: Orphanet 93545, MedGen C1968949, MeSH C566906, MONDO:0019719.

Submissions (6):

Ambry Genetics
Classification: Pathogenic for Inborn genetic diseases. Last evaluated: 2023-08-17. Review status: criteria provided, single submitter. Criteria: Ambry Variant Classification Scheme 2023. Collection method: clinical testing. Allele origin: germline.
Comment: The c.464C>T (p.S155F) alteration is located in exon 4 (coding exon 3) of the ACTG1 gene. This alteration results from a C to T substitution at nucleotide position 464, causing the serine (S) at amino acid position 155 to be replaced by a phenylalanine (F)._x000D_ _x000D_ for Baraitser-Winter syndrome; however, its clinical significance for ACTG1-related deafness is uncertain. This variant was not reported in population-based cohorts in the Genome Aggregation Database (gnomAD). This alteration has been reported in multiple individuals with features consistent with Baraitser-Winter syndrome, including two de novo occurrences (Rivi&egrave;re, 2012). This amino acid position is highly conserved in available vertebrate species. A functional analysis of the p.S155F alteration demonstrated increased F-actin content and multiple anomalous F-actin rich filopodia-like protrusions compared to control cells (Rivi&egrave;re, 2012). This alteration is predicted to be deleterious by in silico analysis. Based on the available evidence, this alteration is classified as pathogenic.

GeneDx
Classification: Pathogenic. Last evaluated: 2022-10-05. Review status: criteria provided, single submitter. Criteria: GeneDx Variant Classification Process June 2021. Collection method: clinical testing. Allele origin: germline. Affected: yes.
Comment: Not observed at significant frequency in large population cohorts (gnomAD); Missense variants in this gene are often considered pathogenic (HGMD); In silico analysis supports that this missense variant has a deleterious effect on protein structure/function; This variant is associated with the following publications: (PMID: 28496999, 32506774, 35054877, 27096712, 24268205, 29620237, 32349449, 28439872, 29372643, 28493397, 22366783, 27240540, 30143558)

Genetic Services Laboratory, University of Chicago
Classification: Pathogenic for Baraitser-Winter syndrome 2. Last evaluated: 2013-09-25. Review status: criteria provided, single submitter. Criteria: ACMG Guidelines, 2007. Collection method: clinical testing. Allele origin: germline. Inheritance: Autosomal recessive inheritance. Affected: yes.

Yale Center for Mendelian Genomics, Yale University
Classification: Pathogenic for Congenital anomaly of kidney and urinary tract. Last evaluated: 2018-08-24. Review status: no assertion criteria provided. Collection method: literature only. Allele origin: germline. Affected: yes. Observed: 1 heterozygote. Study: Yale Center for Mendelian Genomics. Not counted in ClinVar's aggregate classification.

OMIM
Classification: Pathogenic for BARAITSER-WINTER SYNDROME 2. Last evaluated: 2012-02-26. Review status: no assertion criteria provided. Collection method: literature only. Allele origin: germline. Not counted in ClinVar's aggregate classification.

UniProtKB/Swiss-Prot
No classification provided. Review status: no classification provided. Collection method: not provided. Allele origin: not provided. Not counted in ClinVar's aggregate classification.

Literature cited by the submitters: PubMed 13680526 (cited by Ambry Genetics); PubMed 22366783 (cited by Ambry Genetics and OMIM); PubMed 25052316 (cited by Ambry Genetics); PubMed 26188271 (cited by Ambry Genetics); PubMed 27625340 (cited by Ambry Genetics); PubMed 30143558 (cited by Yale Center for Mendelian Genomics, Yale University); PubMed 3351890 (cited by OMIM).

NM_001614.5(ACTG1):c.464C>T (p.Ser155Phe)

Gene: ACTG1 (actin gamma 1; minus strand). Cytogenetic location: 17q25.3.
Variant type: single nucleotide variant.
Coding change: c.464C>T on transcript NM_001614.5 (MANE Select); coding-DNA position 464, C replaced by T.
Protein change: p.Ser155Phe; replaces serine 155 with phenylalanine.
Molecular consequence: missense variant. On other transcripts: non-coding transcript variant (1).
Genome position (GRCh38, 1-based): chr17:81,511,526, G>A on the plus strand (C>T on the coding strand, the complement: ACTG1 is on the minus strand). VCF-style: chr17-81511526-G-A. GRCh37 (hg19) VCF-style: chr17-79478552-G-A.
Other names: c.464C>T, p.Ser155Phe (NM_001199954.3); short protein forms S155F.
Identifiers: ClinVar variation 29585 (VCV000029585.11), dbSNP rs281875326, ClinGen allele CA219950.
Genomic context (GRCh38, chr17:81,511,526, plus strand): 5'-ATGGCGTGGGGGAGGGCGTAGCCCTCGTAGATGGGCACCGTGTGGGTGACCCCGTCTCCA[G>A]AGTCCATGACAATGCCAGTGGTGCGCCCAGAGGCGTAGAGGGACAGCACGGCCTGGATGG-3'
Protein context (NP_001605.1, residues 145-165): SGRTTGIVMD[Ser155Phe]GDGVTHTVPI